The following is an entry in ClinVar:

ClinVar aggregate classification (germline): Uncertain significance. Review status: criteria provided, multiple submitters, no conflicts (2 of 4 stars). 2 submissions from 2 submitters: Uncertain significance (2). Last evaluated 2024-01-30.

Conditions:
Inborn genetic diseases. Identifiers: MedGen C0950123, MeSH D030342.

Allele frequency attached by ClinVar (database versions not stated): gnomAD 0.00001; TOPMed 0.00001.
gnomAD v4.1: 10 of 1,589,662 alleles (0.00063%); highest among the groups gnomAD compares: African/African-American, 0.0027%; no homozygotes.

Submissions (2):

Ambry Genetics
Classification: Uncertain significance for Inborn genetic diseases. Last evaluated: 2024-01-30. Review status: criteria provided, single submitter. Criteria: Ambry Variant Classification Scheme 2023. Collection method: clinical testing. Allele origin: germline.

Labcorp Genetics (formerly Invitae), Labcorp
Classification: Uncertain significance. Last evaluated: 2022-03-28. Review status: criteria provided, single submitter. Criteria: Invitae Variant Classification Sherloc (09022015). Collection method: clinical testing. Allele origin: germline.
Comment: This sequence change replaces glycine, which is neutral and non-polar, with arginine, which is basic and polar, at codon 193 of the NEUROG3 protein (p.Gly193Arg). The frequency data for this variant in the population databases is considered unreliable, as metrics indicate poor data quality at this position in the gnomAD database. This variant has not been reported in the literature in individuals affected with NEUROG3-related conditions. Algorithms developed to predict the effect of missense changes on protein structure and function output the following: SIFT: "Deleterious"; PolyPhen-2: "Benign"; Align-GVGD: "Class C0". The arginine amino acid residue is found in multiple mammalian species, which suggests that this missense change does not adversely affect protein function. In summary, the available evidence is currently insufficient to determine the role of this variant in disease. Therefore, it has been classified as a Variant of Uncertain Significance.

NM_020999.4(NEUROG3):c.577G>A (p.Gly193Arg)

Gene: NEUROG3 (neurogenin 3; minus strand). Cytogenetic location: 10q22.1.
Variant type: single nucleotide variant.
Coding change: c.577G>A on transcript NM_020999.4 (MANE Select); coding-DNA position 577, G replaced by A.
Protein change: p.Gly193Arg; replaces glycine 193 with arginine.
Molecular consequence: missense variant.
Genome position (GRCh38, 1-based): chr10:69,572,467, C>T on the plus strand (G>A on the coding strand, the complement: NEUROG3 is on the minus strand). VCF-style: chr10-69572467-C-T. GRCh37 (hg19) VCF-style: chr10-71332223-C-T.
Other names: c.577G>A (NM_020999.3); short protein forms G193R.
Identifiers: ClinVar variation 1937030 (VCV001937030.3), dbSNP rs762942188, ClinGen allele CA5533662.